The following is an entry in ClinVar:

NM_001004334.4(GPR179):c.921T>A (p.Ser307Arg)

Gene: GPR179 (G protein-coupled receptor 179; minus strand). Cytogenetic location: 17q12.
Variant type: single nucleotide variant.
Coding change: c.921T>A on transcript NM_001004334.4 (MANE Select); coding-DNA position 921, T replaced by A.
Protein change: p.Ser307Arg; replaces serine 307 with arginine.
Molecular consequence: missense variant.
Genome position (GRCh38, 1-based): chr17:38,337,703, A>T on the plus strand (T>A on the coding strand, the complement: GPR179 is on the minus strand). VCF-style: chr17-38337703-A-T. GRCh37 (hg19) VCF-style: chr17-36493586-A-T.
Other names: short protein forms S307R.
Identifiers: ClinVar variation 323028 (VCV000323028.14), dbSNP rs137934209, ClinGen allele CA10645591.

ClinVar aggregate classification (germline): Benign. Review status: criteria provided, multiple submitters, no conflicts (2 of 4 stars). 3 submissions from 3 submitters: Benign (3). Last evaluated 2026-02-02.

Conditions:
Congenital stationary night blindness 1E. Also called: Night blindness, congenital stationary (complete), 1E, autosomal recessive. Identifiers: Orphanet 215, MedGen C3281215, MONDO:0013807, OMIM 614565.

Allele frequency attached by ClinVar (database versions not stated): 1000 Genomes Project 0.00319; 1000 Genomes Project 30x 0.00375; gnomAD exomes 0.00983 and 0.01546; ExAC 0.01002; gnomAD 0.01029 and 0.01106; TOPMed 0.01035; ESP Exome Variant Server 0.01301.
gnomAD v4.1: 24,056 of 1,613,356 alleles (1.5%); highest among the groups gnomAD compares: Non-Finnish European, 1.8%; 211 homozygotes.

Submissions (3):

Labcorp Genetics (formerly Invitae), Labcorp
Classification: Benign. Last evaluated: 2026-02-02. Review status: criteria provided, single submitter. Criteria: Invitae Variant Classification Sherloc (09022015). Collection method: clinical testing. Allele origin: germline.

Illumina Laboratory Services, Illumina
Classification: Benign for Congenital stationary night blindness 1E. Last evaluated: 2018-01-12. Review status: criteria provided, single submitter. Criteria: ICSL Variant Classification Criteria 13 December 2019. Collection method: clinical testing. Allele origin: germline.
Comment: This variant was observed in the ICSL laboratory as part of a predisposition screen in an ostensibly healthy population. It had not been previously curated by ICSL or reported in the Human Gene Mutation Database (HGMD: prior to June 1st, 2018), and was therefore a candidate for classification through an automated scoring system. Utilizing variant allele frequency, disease prevalence and penetrance estimates, and inheritance mode, an automated score was calculated to assess if this variant is too frequent to cause the disease. Based on the score and internal cut-off values, a variant classified as benign is not then subjected to further curation. The score for this variant resulted in a classification of benign for this disease.

Breakthrough Genomics
Classification: Benign. Review status: criteria provided, single submitter. Criteria: ACMG Guidelines, 2015. Collection method: not provided. Allele origin: germline. Inheritance: Autosomal recessive inheritance. Affected: yes.